The following is an entry in ClinVar:

ClinVar aggregate classification (germline): Conflicting classifications of pathogenicity. Review status: criteria provided, conflicting classifications (1 of 4 stars). 9 submissions from 9 submitters: Uncertain significance (2); Likely benign (3). 4 of the submissions do not count toward it. Last evaluated 2026-10-16.

Conditions:
Osteogenesis imperfecta (OI). Identifiers: Orphanet 666, MedGen C0029434, MeSH D010013, MONDO:0019019.
TMEM38B-related disorder. Also called: TMEM38B-related condition.

Allele frequency attached by ClinVar (database versions not stated): gnomAD 0.00113 and 0.00117; 1000 Genomes Project 0.00120; gnomAD exomes 0.00144 and 0.00151; 1000 Genomes Project 30x 0.00094; TOPMed 0.00109; ExAC 0.00148; ESP Exome Variant Server 0.00154.

Submissions (9):

GeneDx
Classification: Uncertain significance. Last evaluated: 2026-10-16. Review status: criteria provided, single submitter. Criteria: GeneDx Variant Classification Process June 2021. Collection method: clinical testing. Allele origin: germline.
Comment: Has not been previously reported as pathogenic or benign in association with TMEM38B-related osteogenesis imperfecta to our knowledge; In silico analysis suggests that this missense variant does not alter protein structure/function; This variant is associated with the following publications: (PMID: 28440294)

Labcorp Genetics (formerly Invitae), Labcorp
Classification: Likely benign. Last evaluated: 2026-01-29. Review status: criteria provided, single submitter. Criteria: Invitae Variant Classification Sherloc (09022015). Collection method: clinical testing. Allele origin: germline.

Blueprint Genetics
Classification: Likely benign. Last evaluated: 2024-10-08. Review status: criteria provided, single submitter. Criteria: ACMG Guidelines, 2015. Collection method: clinical testing. Allele origin: germline.

Women's Health and Genetics/Laboratory Corporation of America, LabCorp
Classification: Likely benign. Last evaluated: 2023-03-20. Review status: criteria provided, single submitter. Criteria: LabCorp Variant Classification Summary - May 2015. Collection method: clinical testing. Allele origin: germline.
Comment: Variant summary: TMEM38B c.748C>T (p.Pro250Ser) results in a non-conservative amino acid change in the encoded protein sequence. Four of five in-silico tools predict a benign effect of the variant on protein function. The variant allele was found at a frequency of 0.0014 in 251204 control chromosomes, predominantly at a frequency of 0.0021 within the Non-Finnish European subpopulation in the gnomAD database. The observed variant frequency within Non-Finnish European control individuals in the gnomAD database is approximately 2 fold of the estimated maximal expected allele frequency for a pathogenic variant in TMEM38B causing Osteogenesis Imperfecta phenotype (0.0011), strongly suggesting that the variant is a benign polymorphism found primarily in populations of Non-Finnish European origin. To our knowledge, no occurrence of c.748C>T in individuals affected with Osteogenesis Imperfecta and no experimental evidence demonstrating its impact on protein function have been reported. Three clinical diagnostic laboratories have submitted clinical-significance assessments for this variant to ClinVar after 2014 and classified the variant as VUS (n=2) and likely benign (n=1). Based on the evidence outlined above, the variant was classified as likely benign.

Genome Diagnostics Laboratory, The Hospital for Sick Children
Classification: Uncertain significance for Osteogenesis imperfecta. Last evaluated: 2021-04-09. Review status: criteria provided, single submitter. Criteria: ACMG Guidelines, 2015. Collection method: clinical testing. Allele origin: germline.

PreventionGenetics, part of Exact Sciences
Classification: Likely benign for TMEM38B-related condition. Last evaluated: 2022-05-09. Review status: no assertion criteria provided. Collection method: clinical testing. Allele origin: germline. Not counted in ClinVar's aggregate classification.
Comment: This variant is classified as likely benign based on ACMG/AMP sequence variant interpretation guidelines (Richards et al. 2015 PMID: 25741868, with internal and published modifications).

Clinical Genetics DNA and cytogenetics Diagnostics Lab, Erasmus MC, Erasmus Medical Center
Classification: Likely benign. Review status: no assertion criteria provided. Collection method: clinical testing. Allele origin: germline. Affected: yes. Study: VKGL Data-share Consensus. Not counted in ClinVar's aggregate classification.

Genome Diagnostics Laboratory, Amsterdam University Medical Center
Classification: Likely benign. Review status: no assertion criteria provided. Collection method: clinical testing. Allele origin: germline. Affected: yes. Study: VKGL Data-share Consensus. Not counted in ClinVar's aggregate classification.

Laboratory of Diagnostic Genome Analysis, Leiden University Medical Center (LUMC)
Classification: Likely benign. Review status: no assertion criteria provided. Collection method: clinical testing. Allele origin: germline. Affected: yes. Study: VKGL Data-share Consensus. Not counted in ClinVar's aggregate classification.

NM_018112.3(TMEM38B):c.748C>T (p.Pro250Ser)

Gene: TMEM38B (transmembrane protein 38B; plus strand). Cytogenetic location: 9q31.2.
Variant type: single nucleotide variant.
Coding change: c.748C>T on transcript NM_018112.3 (MANE Select); coding-DNA position 748, C replaced by T.
Protein change: p.Pro250Ser; replaces proline 250 with serine.
Molecular consequence: missense variant.
Genome position (GRCh38, 1-based): chr9:105,773,952, C>T. VCF-style: chr9-105773952-C-T. GRCh37 (hg19) VCF-style: chr9-108536233-C-T.
Other names: short protein forms P250S.
Identifiers: ClinVar variation 716663 (VCV000716663.23), dbSNP rs140157299, ClinGen allele CA5171001.
Genomic context (GRCh38, chr9:105,773,952, plus strand): 5'-ACTATGACATTTGCTCCTTTTGAGGATACATTGAGTTGGATGCTATTTGGCTGGCAGCAG[C>T]CGTTTTCATCATGTGAGAAGAAAAGTGAAGCAAAGTCACCTTCCAATGGCGTTGGGTCAT-3'
Protein context (NP_060582.1, residues 240-260): LSWMLFGWQQ[Pro250Ser]FSSCEKKSEA